The following is an entry in ClinVar:

ClinVar aggregate classification (germline): Uncertain significance (1 of 4 stars; one submission).

Submission:

Labcorp Genetics (formerly Invitae), Labcorp
Classification: Uncertain significance. Last evaluated: 2025-09-24. Review status: criteria provided, single submitter. Criteria: Invitae Variant Classification Sherloc (09022015). Collection method: clinical testing. Allele origin: germline.
Comment: This sequence change replaces asparagine, which is neutral and polar, with lysine, which is basic and polar, at codon 42 of the PTPN23 protein (p.Asn42Lys). This variant is not present in population databases (gnomAD no frequency). This variant has not been reported in the literature in individuals affected with PTPN23-related conditions. Experimental studies and prediction algorithms are not available or were not evaluated, and the functional significance of this variant is currently unknown. In summary, the available evidence is currently insufficient to determine the role of this variant in disease. Therefore, it has been classified as a Variant of Uncertain Significance.

NM_015466.4(PTPN23):c.126T>A (p.Asn42Lys)

Gene: PTPN23 (protein tyrosine phosphatase non-receptor type 23; plus strand). Cytogenetic location: 3p21.31.
Variant type: single nucleotide variant.
Coding change: c.126T>A on transcript NM_015466.4 (MANE Select); coding-DNA position 126, T replaced by A.
Protein change: p.Asn42Lys; replaces asparagine 42 with lysine.
Molecular consequence: missense variant. On other transcripts: 5 prime UTR variant (1).
Genome position (GRCh38, 1-based): chr3:47,396,184, T>A. VCF-style: chr3-47396184-T-A. GRCh37 (hg19) VCF-style: chr3-47437674-T-A.
Other names: c.-125T>A (NM_001304482.2); short protein forms N42K.
Identifiers: ClinVar variation 4725188 (VCV004725188.1).
Genomic context (GRCh38, chr3:47,396,184, plus strand): 5'-TGTTCTTCTCTCTCTGTAGTTTGTCCTGAAGAATTATGGAGAGAACCCAGAAGCCTACAA[T>A]GAAGAACTGAAGAAGCTGGAGTTGCTCAGACAGGTAGGAGGATAGTATTATCTTTTTATG-3'
Protein context (NP_056281.1, residues 32-52): KNYGENPEAY[Asn42Lys]EELKKLELLR